The following is an entry in ClinVar:

NM_000135.4(FANCA):c.911G>A (p.Gly304Glu)

Gene: FANCA (FA complementation group A; minus strand). Cytogenetic location: 16q24.3.
Variant type: single nucleotide variant.
Coding change: c.911G>A on transcript NM_000135.4 (MANE Select); coding-DNA position 911, G replaced by A.
Protein change: p.Gly304Glu; replaces glycine 304 with glutamic acid.
Molecular consequence: missense variant.
Genome position (GRCh38, 1-based): chr16:89,796,001, C>T on the plus strand (G>A on the coding strand, the complement: FANCA is on the minus strand). VCF-style: chr16-89796001-C-T. GRCh37 (hg19) VCF-style: chr16-89862409-C-T.
Other names: c.911G>A, p.Gly304Glu (NM_001286167.3); short protein forms G304E.
Identifiers: ClinVar variation 1319244 (VCV001319244.10), dbSNP rs745451374, ClinGen allele CA397470346.
Genomic context (GRCh38, chr16:89,796,001, plus strand): 5'-AGGGTATGACTGAAGAACCTCTTCAGAGGATCTGTGGAAATTACACTGCCAAGCGTGTGT[C>T]CACTGAACACTCCGAACCTGCCAATGCAGCAGAAAGAGGGGTCAGGAAAGGGAGGGTGCC-3'
Protein context (NP_000126.2, residues 294-314): IVRCWFGVFS[Gly304Glu]HTLGSVISTD

ClinVar aggregate classification (germline): Uncertain significance. Review status: criteria provided, multiple submitters, no conflicts (2 of 4 stars). 2 submissions from 2 submitters: Uncertain significance (2). Last evaluated 2021-11-03.

Conditions:
Fanconi anemia (FA). Also called: Fanconi's anemia. Identifiers: Orphanet 84, MedGen C0015625, MeSH D005199, MONDO:0019391.

gnomAD v4.1: 1 of 1,613,946 alleles (0.000062%); highest among the groups gnomAD compares: Non-Finnish European, 0.000085%; no homozygotes.

Submissions (2):

Institute for Clinical Genetics, University Hospital TU Dresden, University Hospital TU Dresden
Classification: Uncertain significance. Last evaluated: 2021-11-03. Review status: criteria provided, single submitter. Criteria: ACMG Guidelines, 2015. Collection method: clinical testing. Allele origin: germline.

Labcorp Genetics (formerly Invitae), Labcorp
Classification: Uncertain significance for Fanconi anemia. Last evaluated: 2021-07-29. Review status: criteria provided, single submitter. Criteria: Invitae Variant Classification Sherloc (09022015). Collection method: clinical testing. Allele origin: germline.
Comment: In summary, the available evidence is currently insufficient to determine the role of this variant in disease. Therefore, it has been classified as a Variant of Uncertain Significance. Algorithms developed to predict the effect of missense changes on protein structure and function are either unavailable or do not agree on the potential impact of this missense change (SIFT: "Tolerated"; PolyPhen-2: "Probably Damaging"; Align-GVGD: "Class C0"). This variant has not been reported in the literature in individuals with FANCA-related conditions. This variant is not present in population databases (ExAC no frequency). This sequence change replaces glycine with glutamic acid at codon 304 of the FANCA protein (p.Gly304Glu). The glycine residue is weakly conserved and there is a moderate physicochemical difference between glycine and glutamic acid.